The following is an entry in ClinVar:

NM_002465.4(MYBPC1):c.177A>G (p.Ser59=)

Gene: MYBPC1 (myosin binding protein C1; plus strand). Cytogenetic location: 12q23.2.
Variant type: single nucleotide variant.
Coding change: c.177A>G on transcript NM_002465.4 (MANE Select); coding-DNA position 177, A replaced by G.
Protein change: p.Ser59=; no amino-acid change (serine 59 retained).
Molecular consequence: synonymous variant. On other transcripts: intron variant (14).
Genome position (GRCh38, 1-based): chr12:101,627,803, A>G. VCF-style: chr12-101627803-A-G. GRCh37 (hg19) VCF-style: chr12-102021581-A-G.
Other names: c.177A>G, p.Ser59= (NM_001404675.1, NM_206819.4); c.104-1631A>G (NM_001254718.3, NM_206820.4, NM_001254719.3 and 4 more transcripts); c.68-1631A>G (NM_001254720.3); c.64+893A>G (NM_001254723.3); c.26-1631A>G (NM_001254722.3, NM_001404680.1, NM_001404679.1 and 2 more transcripts).
Identifiers: ClinVar variation 4888069 (VCV004888069.1).
Genomic context (GRCh38, chr12:101,627,803, plus strand): 5'-TCACCCAAATCACACTTTCCTTTCAGGTTTGGGTAGTCGGGCCCTGGAGAGAAAAGATTC[A>G]GGTGAGCGCAAGCCCAGAGAAGGCATCCTGACCTCATCCTAATACAATCACTAATGAGCT-3'
Protein context (NP_002456.2, residues 49-69): LGSRALERKD[Ser59=]DWTLVETPPG

ClinVar aggregate classification (germline): Uncertain significance (1 of 4 stars; one submission).

gnomAD v4.1: 109 of 1,613,546 alleles (0.0068%); highest among the groups gnomAD compares: Non-Finnish European, 0.0082%; no homozygotes.

Submission:

GeneDx
Classification: Uncertain significance. Last evaluated: 2026-02-17. Review status: criteria provided, single submitter. Criteria: GeneDx Variant Classification Process June 2021. Collection method: clinical testing. Allele origin: germline.
Comment: Has not been previously published as pathogenic or benign to our knowledge; In silico analysis is inconclusive as to whether the variant alters gene splicing. In the absence of RNA/functional studies, the actual effect of this sequence change is unknown.